The following is an entry in ClinVar:

ClinVar aggregate classification (germline): Uncertain significance (1 of 4 stars; one submission).

Conditions:
Hereditary sensory neuropathy-deafness-dementia syndrome. Also called: NEUROPATHY, HEREDITARY SENSORY, WITH HEARING LOSS AND DEMENTIA; HSN IE; Hereditary sensory neuropathy type IE; Hereditary Sensory and Autonomic Neuropathy Type 1E (HSAN1E). Identifiers: Orphanet 456318, MedGen C3279885, MONDO:0013584, OMIM 614116.

gnomAD v4.1: 3 of 1,614,108 alleles (0.00019%); highest among the groups gnomAD compares: African/African-American, 0.0027%; no homozygotes.

Submission:

Labcorp Genetics (formerly Invitae), Labcorp
Classification: Uncertain significance for Hereditary sensory neuropathy-deafness-dementia syndrome. Last evaluated: 2024-03-16. Review status: criteria provided, single submitter. Criteria: Invitae Variant Classification Sherloc (09022015). Collection method: clinical testing. Allele origin: germline.
Comment: This sequence change falls in intron 15 of the DNMT1 gene. It does not directly change the encoded amino acid sequence of the DNMT1 protein. It affects a nucleotide within the consensus splice site. This variant is present in population databases (no rsID available, gnomAD 0.01%). This variant has not been reported in the literature in individuals affected with DNMT1-related conditions. Variants that disrupt the consensus splice site are a relatively common cause of aberrant splicing (PMID: 17576681, 9536098). Algorithms developed to predict the effect of sequence changes on RNA splicing suggest that this variant is not likely to affect RNA splicing. In summary, the available evidence is currently insufficient to determine the role of this variant in disease. Therefore, it has been classified as a Variant of Uncertain Significance.

Literature cited by the submitters: PubMed 17576681; PubMed 9536098.

NM_001130823.3(DNMT1):c.1090-3C>T

Gene: DNMT1 (DNA methyltransferase 1; minus strand). Cytogenetic location: 19p13.2.
Variant type: single nucleotide variant.
Coding change: c.1090-3C>T on transcript NM_001130823.3 (MANE Select); 3 bases into the intron before coding-DNA position 1090, C replaced by T.
Molecular consequence: intron variant.
Genome position (GRCh38, 1-based): chr19:10,159,925, G>A on the plus strand (C>T on the coding strand, the complement: DNMT1 is on the minus strand). VCF-style: chr19-10159925-G-A. GRCh37 (hg19) VCF-style: chr19-10270601-G-A.
Other names: c.727-3C>T (NM_001318731.2); c.1042-3C>T (NM_001379.4, NM_001318730.2).
Identifiers: ClinVar variation 3629181 (VCV003629181.2).
Genomic context (GRCh38, chr19:10,159,925, plus strand): 5'-ATTTGAGGTCAGGGTCGTCCAGGTACTGCCCGCACTGAATGCACTTGGGAGGGTGGGTCT[G>A]TGGGAGCAGGAACACAGATGATGGCACTCAGAGAGCAGCTCCCAGCCGCCTCGTGAGCGC-3'